The following is an entry in ClinVar:

NM_018975.4(TERF2IP):c.283G>C (p.Glu95Gln)

Gene: TERF2IP (TERF2 interacting protein; plus strand). Cytogenetic location: 16q23.1.
Variant type: single nucleotide variant.
Coding change: c.283G>C on transcript NM_018975.4 (MANE Select); coding-DNA position 283, G replaced by C.
Protein change: p.Glu95Gln; replaces glutamic acid 95 with glutamine.
Molecular consequence: missense variant. On other transcripts: non-coding transcript variant (1).
Genome position (GRCh38, 1-based): chr16:75,648,165, G>C. VCF-style: chr16-75648165-G-C. GRCh37 (hg19) VCF-style: chr16-75682063-G-C.
Other names: short protein forms E95Q.
Identifiers: ClinVar variation 1796706 (VCV001796706.3), dbSNP rs769051760, ClinGen allele CA8177973.

ClinVar aggregate classification (germline): Uncertain significance (1 of 4 stars; one submission).

Allele frequency attached by ClinVar (database versions not stated): gnomAD 0.00001; TOPMed 0.00002; ExAC 0.00005.
gnomAD v4.1: 4 of 1,565,800 alleles (0.00026%); highest among the groups gnomAD compares: African/African-American, 0.004%; no homozygotes.

Submission:

Ambry Genetics
Classification: Uncertain significance. Last evaluated: 2024-08-19. Review status: criteria provided, single submitter. Criteria: Ambry Variant Classification Scheme 2023. Collection method: clinical testing. Allele origin: germline.
Comment: The p.E95Q variant (also known as c.283G>C), located in coding exon 1 of the TERF2IP gene, results from a G to C substitution at nucleotide position 283. The glutamic acid at codon 95 is replaced by glutamine, an amino acid with highly similar properties. This amino acid position is conserved. In addition, this alteration is predicted to be tolerated by in silico analysis. Since supporting evidence is limited at this time, the clinical significance of this alteration remains unclear.